The following is an entry in ClinVar:

NM_000260.4(MYO7A):c.851G>T (p.Gly284Val)

Gene: MYO7A (myosin VIIA; plus strand). Cytogenetic location: 11q13.5.
Variant type: single nucleotide variant.
Coding change: c.851G>T on transcript NM_000260.4 (MANE Select); coding-DNA position 851, G replaced by T.
Protein change: p.Gly284Val; replaces glycine 284 with valine.
Molecular consequence: missense variant.
Genome position (GRCh38, 1-based): chr11:77,158,278, G>T. VCF-style: chr11-77158278-G-T. GRCh37 (hg19) VCF-style: chr11-76869324-G-T.
Other names: c.851G>T, p.Gly284Val (NM_001127180.2); c.818G>T, p.Gly273Val (NM_001369365.1); short protein forms G284V, G273V.
Identifiers: ClinVar variation 1434426 (VCV001434426.7), dbSNP rs782745630, ClinGen allele CA6197287.
Genomic context (GRCh38, chr11:77,158,278, plus strand): 5'-GCCCCTCTGGGGGTACACTGACGTCCTCTTGCACCCCACTCTCCCACCCTGCCCACCAGG[G>T]TAACTGCATAACCTGTGAGGGCCGGGTGGACAGCCAGGAGTACGCCAACATCCGCTCCGC-3'
Protein context (NP_000251.3, residues 274-294): QASDYNYLAM[Gly284Val]NCITCEGRVD

ClinVar aggregate classification (germline): Uncertain significance (1 of 4 stars; one submission).

Allele frequency attached by ClinVar (database versions not stated): gnomAD exomes below 0.00001; ExAC 0.00001.
gnomAD v4.1: 1 of 1,595,494 alleles (0.000063%); highest among the groups gnomAD compares: Non-Finnish European, 0.000086%; no homozygotes.

Submission:

Labcorp Genetics (formerly Invitae), Labcorp
Classification: Uncertain significance. Last evaluated: 2024-10-28. Review status: criteria provided, single submitter. Criteria: Invitae Variant Classification Sherloc (09022015). Collection method: clinical testing. Allele origin: germline.
Comment: This sequence change replaces glycine, which is neutral and non-polar, with valine, which is neutral and non-polar, at codon 284 of the MYO7A protein (p.Gly284Val). The frequency data for this variant in the population databases is considered unreliable, as metrics indicate poor data quality at this position in the gnomAD database. This variant has not been reported in the literature in individuals affected with MYO7A-related conditions. ClinVar contains an entry for this variant (Variation ID: 1434426). An algorithm developed to predict the effect of missense changes on protein structure and function (PolyPhen-2) suggests that this variant is likely to be disruptive. In summary, the available evidence is currently insufficient to determine the role of this variant in disease. Therefore, it has been classified as a Variant of Uncertain Significance.